The following is an entry in ClinVar:

ClinVar aggregate classification (germline): Uncertain significance. Review status: criteria provided, multiple submitters, no conflicts (2 of 4 stars). 3 submissions from 3 submitters: Uncertain significance (3). Last evaluated 2025-08-23.

Conditions:
Inborn genetic diseases. Identifiers: MedGen C0950123, MeSH D030342.

Allele frequency attached by ClinVar (database versions not stated): gnomAD exomes below 0.00001; TOPMed below 0.00001; gnomAD 0.00001.
gnomAD v4.1: 5 of 1,613,988 alleles (0.00031%); highest among the groups gnomAD compares: Admixed American, 0.0033%; no homozygotes.

Submissions (3):

Ambry Genetics
Classification: Uncertain significance for Inborn genetic diseases. Last evaluated: 2025-08-23. Review status: criteria provided, single submitter. Criteria: Ambry Variant Classification Scheme 2023. Collection method: clinical testing. Allele origin: germline.

Labcorp Genetics (formerly Invitae), Labcorp
Classification: Uncertain significance. Last evaluated: 2025-07-30. Review status: criteria provided, single submitter. Criteria: Invitae Variant Classification Sherloc (09022015). Collection method: clinical testing. Allele origin: germline.
Comment: This sequence change replaces serine, which is neutral and polar, with asparagine, which is neutral and polar, at codon 339 of the SNRNP200 protein (p.Ser339Asn). This variant is not present in population databases (gnomAD no frequency). This variant has not been reported in the literature in individuals affected with SNRNP200-related conditions. ClinVar contains an entry for this variant (Variation ID: 452133). Invitae Evidence Modeling of protein sequence and biophysical properties (such as structural, functional, and spatial information, amino acid conservation, physicochemical variation, residue mobility, and thermodynamic stability) indicates that this missense variant is not expected to disrupt SNRNP200 protein function with a negative predictive value of 95%. In summary, the available evidence is currently insufficient to determine the role of this variant in disease. Therefore, it has been classified as a Variant of Uncertain Significance.

GeneDx
Classification: Uncertain significance. Last evaluated: 2017-09-22. Review status: criteria provided, single submitter. Criteria: GeneDx Variant Classification (06012015). Collection method: clinical testing. Allele origin: germline. Affected: yes.
Comment: The S339N variant in the SNRNP200 gene has not been reported previously as a pathogenic variant, nor as a benign variant, to our knowledge. This variant is not observed in large population cohorts (Lek et al., 2016). The S339N variant is a conservative amino acid substitution, which is not likely to impact secondary protein structure as these residues share similar properties. However, this substitution occurs at a position that is conserved across species, and in silico analysis is inconsistent in its predictions as to whether or not the variant is damaging to the protein structure/function. We interpret S339N as a variant of uncertain significance.

NM_014014.5(SNRNP200):c.1016G>A (p.Ser339Asn)

Gene: SNRNP200 (small nuclear ribonucleoprotein U5 subunit 200; minus strand). Cytogenetic location: 2q11.2.
Variant type: single nucleotide variant.
Coding change: c.1016G>A on transcript NM_014014.5 (MANE Select); coding-DNA position 1016, G replaced by A.
Protein change: p.Ser339Asn; replaces serine 339 with asparagine.
Molecular consequence: missense variant.
Genome position (GRCh38, 1-based): chr2:96,298,387, C>T on the plus strand (G>A on the coding strand, the complement: SNRNP200 is on the minus strand). VCF-style: chr2-96298387-C-T. GRCh37 (hg19) VCF-style: chr2-96964125-C-T.
Other names: short protein forms S339N.
Identifiers: ClinVar variation 452133 (VCV000452133.7), dbSNP rs1009361271, ClinGen allele CA52404450.